The following is an entry in ClinVar:

NM_153704.6(TMEM67):c.13G>T (p.Gly5Cys)

Gene: TMEM67 (transmembrane protein 67; plus strand). Cytogenetic location: 8q22.1.
Variant type: single nucleotide variant.
Coding change: c.13G>T on transcript NM_153704.6 (MANE Select); coding-DNA position 13, G replaced by T.
Protein change: p.Gly5Cys; replaces glycine 5 with cysteine.
Molecular consequence: missense variant. On other transcripts: non-coding transcript variant (1), intron variant (1).
Genome position (GRCh38, 1-based): chr8:93,754,927, G>T. VCF-style: chr8-93754927-G-T. GRCh37 (hg19) VCF-style: chr8-94767155-G-T.
Other names: c.-180+18G>T (NM_001142301.1); short protein forms G5C.
Identifiers: ClinVar variation 2417407 (VCV002417407.5), dbSNP rs759495428, ClinGen allele CA4807492.
Genomic context (GRCh38, chr8:93,754,927, plus strand): 5'-AGAGGCTGATGGGGGGCTGGAGGCTGTGAGGCTTCCAGCGTCGGTACCATGGCGACGCGC[G>T]GTGGGGCTGGGGTGGCAATGGCGGTTTGGTCCCTCTTATCCGCCCGGGCCGTGACCGCGT-3'
Protein context (NP_714915.3, residues 1-15): MATR[Gly5Cys]GAGVAMAVWS

ClinVar aggregate classification (germline): Uncertain significance (1 of 4 stars; one submission).

Conditions:
Joubert syndrome. Also called: CEREBELLOPARENCHYMAL DISORDER IV; JOUBERT-BOLTSHAUSER SYNDROME; Familial aplasia of the vermis. Identifiers: Orphanet 475, MedGen C5979921, MONDO:0018772.
Meckel-Gruber syndrome. Also called: DYSENCEPHALIA SPLANCHNOCYSTICA; GRUBER SYNDROME; Dysencephalia splachnocystica. Identifiers: Orphanet 564, MedGen C0265215, MONDO:0018921.

Allele frequency attached by ClinVar (database versions not stated): gnomAD exomes below 0.00001; ExAC 0.00001.

Submission:

Labcorp Genetics (formerly Invitae), Labcorp
Classification: Uncertain significance for Joubert syndrome; Meckel-Gruber syndrome. Last evaluated: 2022-07-08. Review status: criteria provided, single submitter. Criteria: Invitae Variant Classification Sherloc (09022015). Collection method: clinical testing. Allele origin: germline.
Comment: This sequence change replaces glycine, which is neutral and non-polar, with cysteine, which is neutral and slightly polar, at codon 5 of the TMEM67 protein (p.Gly5Cys). This variant is present in population databases (rs759495428, gnomAD 0.003%). This variant has not been reported in the literature in individuals affected with TMEM67-related conditions. Advanced modeling of protein sequence and biophysical properties (such as structural, functional, and spatial information, amino acid conservation, physicochemical variation, residue mobility, and thermodynamic stability) performed at Invitae indicates that this missense variant is not expected to disrupt TMEM67 protein function. In summary, the available evidence is currently insufficient to determine the role of this variant in disease. Therefore, it has been classified as a Variant of Uncertain Significance.